The following is an entry in ClinVar:

NM_001365951.3(KIF1B):c.5101G>A (p.Val1701Met)

Gene: KIF1B (kinesin family member 1B; plus strand). Cytogenetic location: 1p36.22.
Variant type: single nucleotide variant.
Coding change: c.5101G>A on transcript NM_001365951.3 (MANE Select); coding-DNA position 5101, G replaced by A.
Protein change: p.Val1701Met; replaces valine 1701 with methionine.
Molecular consequence: missense variant.
Genome position (GRCh38, 1-based): chr1:10,374,858, G>A. VCF-style: chr1-10374858-G-A. GRCh37 (hg19) VCF-style: chr1-10434916-G-A.
Other names: c.5101G>A, p.Val1701Met (NM_001365952.1); c.4963G>A, p.Val1655Met (NM_015074.3); short protein forms V1655M, V1701M.
Identifiers: ClinVar variation 4043105 (VCV004043105.1).

ClinVar aggregate classification (germline): Uncertain significance (1 of 4 stars; one submission).

gnomAD v4.1: 1 of 1,613,874 alleles (0.000062%); highest among the groups gnomAD compares: East Asian, 0.0022%; no homozygotes.

Submission:

Ambry Genetics
Classification: Uncertain significance. Last evaluated: 2025-04-11. Review status: criteria provided, single submitter. Criteria: Ambry Variant Classification Scheme 2023. Collection method: clinical testing. Allele origin: germline.
Comment: The p.V1655M variant (also known as c.4963G>A), located in coding exon 44 of the KIF1B gene, results from a G to A substitution at nucleotide position 4963. The valine at codon 1655 is replaced by methionine, an amino acid with highly similar properties. This amino acid position is conserved. In addition, this alteration is predicted to be tolerated by in silico analysis. Based on the available evidence, the clinical significance of this variant remains unclear.